The following is an entry in ClinVar:

ClinVar aggregate classification (germline): Uncertain significance (1 of 4 stars; one submission).

gnomAD v4.1: 31 of 1,605,170 alleles (0.0019%); highest among the groups gnomAD compares: South Asian, 0.031%; no homozygotes.

Submission:

Labcorp Genetics (formerly Invitae), Labcorp
Classification: Uncertain significance. Last evaluated: 2021-09-02. Review status: criteria provided, single submitter. Criteria: Invitae Variant Classification Sherloc (09022015). Collection method: clinical testing. Allele origin: germline.
Comment: This sequence change replaces glycine with arginine at codon 11 of the ASRGL1 protein (p.Gly11Arg). The glycine residue is highly conserved and there is a moderate physicochemical difference between glycine and arginine. The frequency data for this variant in the population databases is considered unreliable, as metrics indicate poor data quality at this position in the ExAC database. This variant has not been reported in the literature in individuals affected with ASRGL1-related conditions. Algorithms developed to predict the effect of missense changes on protein structure and function (SIFT, PolyPhen-2, Align-GVGD) all suggest that this variant is likely to be disruptive. In summary, the available evidence is currently insufficient to determine the role of this variant in disease. Therefore, it has been classified as a Variant of Uncertain Significance.

NM_001083926.2(ASRGL1):c.31G>A (p.Gly11Arg)

Gene: ASRGL1 (asparaginase and isoaspartyl peptidase 1; plus strand). Cytogenetic location: 11q12.3.
Variant type: single nucleotide variant.
Coding change: c.31G>A on transcript NM_001083926.2 (MANE Select); coding-DNA position 31, G replaced by A.
Protein change: p.Gly11Arg; replaces glycine 11 with arginine.
Molecular consequence: missense variant.
Genome position (GRCh38, 1-based): chr11:62,338,008, G>A. VCF-style: chr11-62338008-G-A. GRCh37 (hg19) VCF-style: chr11-62105480-G-A.
Other names: c.31G>A, p.Gly11Arg (NM_025080.4); short protein forms G11R.
Identifiers: ClinVar variation 839509 (VCV000839509.7), dbSNP rs766321690, ClinGen allele CA6043074.
Genomic context (GRCh38, chr11:62,338,008, plus strand): 5'-TCGCCTTCCTGCTGCCTAGGATCCGCCGACATGAATCCCATCGTAGTGGTCCACGGCGGC[G>A]GAGCCGGTCCCATCTCCAAGGATCGGAAGGAGCGAGTGCACCAGGGCATGGTCAGAGCCG-3'
Protein context (NP_001077395.1, residues 1-21): MNPIVVVHGG[Gly11Arg]AGPISKDRKE